The following is an entry in ClinVar:

ClinVar aggregate classification (germline): Uncertain significance. Review status: criteria provided, multiple submitters, no conflicts (2 of 4 stars). 4 submissions from 4 submitters: Uncertain significance (3). 1 of the submissions does not count toward it. Last evaluated 2024-09-05.

Conditions:
Cystic fibrosis (CF). Also called: MUCOVISCIDOSIS. Identifiers: Orphanet 586, MedGen C0010674, MONDO:0009061, OMIM 219700. Disease mechanism: loss of function.
CFTR-related disorder (CFTR-RD). Also called: CFTR-related condition; CFTR-related disorders. Identifiers: MedGen C5924204, MONDO:7770004.

Allele frequency attached by ClinVar (database versions not stated): gnomAD 0.00002; ExAC 0.00001; gnomAD exomes 0.00001 and 0.00002; TOPMed 0.00001.
gnomAD v4.1: 39 of 1,613,878 alleles (0.0024%); highest among the groups gnomAD compares: Non-Finnish European, 0.0031%; no homozygotes.

Submissions (4):

Labcorp Genetics (formerly Invitae), Labcorp
Classification: Uncertain significance for Cystic fibrosis. Last evaluated: 2024-09-05. Review status: criteria provided, single submitter. Criteria: Invitae Variant Classification Sherloc (09022015). Collection method: clinical testing. Allele origin: germline.
Comment: This sequence change replaces serine, which is neutral and polar, with alanine, which is neutral and non-polar, at codon 1455 of the CFTR protein (p.Ser1455Ala). This variant is present in population databases (rs748845320, gnomAD 0.002%). This variant has not been reported in the literature in individuals affected with CFTR-related conditions. ClinVar contains an entry for this variant (Variation ID: 643002). Invitae Evidence Modeling of protein sequence and biophysical properties (such as structural, functional, and spatial information, amino acid conservation, physicochemical variation, residue mobility, and thermodynamic stability) indicates that this missense variant is expected to disrupt CFTR protein function with a positive predictive value of 95%. In summary, the available evidence is currently insufficient to determine the role of this variant in disease. Therefore, it has been classified as a Variant of Uncertain Significance.

Mayo Clinic Laboratories, Mayo Clinic
Classification: Uncertain significance. Last evaluated: 2023-09-19. Review status: criteria provided, single submitter. Criteria: ACMG Guidelines, 2015. Collection method: clinical testing. Allele origin: germline. Observed: 2 variant alleles.
Comment: PM2_moderate

Ambry Genetics
Classification: Uncertain significance for Cystic fibrosis. Last evaluated: 2022-04-20. Review status: criteria provided, single submitter. Criteria: Ambry Variant Classification Scheme 2023. Collection method: clinical testing. Allele origin: germline.
Comment: The p.S1455A variant (also known as c.4363T>G), located in coding exon 27 of the CFTR gene, results from a T to G substitution at nucleotide position 4363. The serine at codon 1455 is replaced by alanine, an amino acid with similar properties. This amino acid position is highly conserved in available vertebrate species. In addition, the in silico prediction for this alteration is inconclusive. Since supporting evidence is limited at this time, the clinical significance of this alteration remains unclear.

Natera, Inc.
Classification: Uncertain significance for CFTR-related disorders. Last evaluated: 2018-09-22. Review status: no assertion criteria provided. Collection method: clinical testing. Allele origin: germline. Not counted in ClinVar's aggregate classification.

NM_000492.4(CFTR):c.4363T>G (p.Ser1455Ala)

Genes: CFTR (CF transmembrane conductance regulator; plus strand), LOC111674477 (CFTR intron 23 enhancer; plus strand). Cytogenetic location: 7q31.2.
Variant type: single nucleotide variant.
Coding change: c.4363T>G on transcript NM_000492.4 (MANE Select); coding-DNA position 4363, T replaced by G.
Protein change: p.Ser1455Ala; replaces serine 1455 with alanine.
Molecular consequence: missense variant.
Genome position (GRCh38, 1-based): chr7:117,667,028, T>G. VCF-style: chr7-117667028-T-G. GRCh37 (hg19) VCF-style: chr7-117307082-T-G.
Other names: p.Ser1455Ala; short protein forms S1455A.
Identifiers: ClinVar variation 643002 (VCV000643002.10), dbSNP rs748845320, ClinGen allele CA4451700.